The following is an entry in ClinVar:

NM_000256.3(MYBPC3):c.2838A>G (p.Ala946=)

Gene: MYBPC3 (myosin binding protein C3; minus strand). Cytogenetic location: 11p11.2.
Variant type: single nucleotide variant.
Coding change: c.2838A>G on transcript NM_000256.3 (MANE Select); coding-DNA position 2838, A replaced by G.
Protein change: p.Ala946=; no amino-acid change (alanine 946 retained).
Molecular consequence: synonymous variant.
Genome position (GRCh38, 1-based): chr11:47,335,109, T>C on the plus strand (A>G on the coding strand, the complement: MYBPC3 is on the minus strand). VCF-style: chr11-47335109-T-C. GRCh37 (hg19) VCF-style: chr11-47356660-T-C.
Other names: c.2838A>G, p.Ala946= (LRG_386t1).
Identifiers: ClinVar variation 383657 (VCV000383657.17), dbSNP rs376858768, ClinGen allele CA078976.

ClinVar aggregate classification (germline): Likely benign. Review status: criteria provided, multiple submitters, no conflicts (2 of 4 stars). 6 submissions from 6 submitters: Likely benign (6). Last evaluated 2025-10-13.

Conditions:
Cardiovascular phenotype. Identifiers: MedGen CN230736.
Cardiomyopathy (CMYO). Also called: Cardiomyopathies. Identifiers: Orphanet 167848, MedGen C0878544, MONDO:0004994, HP:0001638. Inheritance: Various modes of inheritance.
Hypertrophic cardiomyopathy. Also called: HYPERTROPHIC MYOCARDIOPATHY. Identifiers: Orphanet 217569, MedGen C0007194, MeSH D002312, MONDO:0005045, HP:0001639.

Allele frequency attached by ClinVar (database versions not stated): gnomAD 0.00009 and 0.00008; TOPMed 0.00009; gnomAD exomes 0.00001 and 0.00002; ExAC 0.00002; ESP Exome Variant Server 0.00008.
gnomAD v4.1: 22 of 1,612,110 alleles (0.0014%); highest among the groups gnomAD compares: African/African-American, 0.024%; no homozygotes.

Submissions (6):

Labcorp Genetics (formerly Invitae), Labcorp
Classification: Likely benign for Hypertrophic cardiomyopathy. Last evaluated: 2025-10-13. Review status: criteria provided, single submitter. Criteria: Invitae Variant Classification Sherloc (09022015). Collection method: clinical testing. Allele origin: germline.

Molecular Diagnostic Laboratory for Inherited Cardiovascular Disease, Montreal Heart Institute
Classification: Likely benign. Last evaluated: 2025-04-09. Review status: criteria provided, single submitter. Criteria: ACMG Guidelines, 2015. Collection method: clinical testing. Allele origin: germline. Affected: no.
Comment: BP6;BP7

All of Us Research Program, National Institutes of Health
Classification: Likely benign for Hypertrophic cardiomyopathy. Last evaluated: 2023-12-01. Review status: criteria provided, single submitter. Criteria: ACMG Guidelines, 2015. Collection method: clinical testing. Allele origin: germline. Inheritance: Autosomal dominant inheritance. Observed: 4 variant alleles, 4 heterozygotes.
Comment: This study involves interpretation of variants in research participants for the purpose of population health screening. Participant phenotype was not available at the time of variant classification. Additional details can be found in publication PMID: 35346344, PMCID: PMC8962531

Ambry Genetics
Classification: Likely benign for Cardiovascular phenotype. Last evaluated: 2020-04-03. Review status: criteria provided, single submitter. Criteria: Ambry Variant Classification Scheme 2023. Collection method: clinical testing. Allele origin: germline.

Color Diagnostics, LLC DBA Color Health
Classification: Likely benign for Cardiomyopathy. Last evaluated: 2019-01-20. Review status: criteria provided, single submitter. Criteria: ACMG Guidelines, 2015. Collection method: clinical testing. Allele origin: germline.

GeneDx
Classification: Likely benign. Last evaluated: 2018-03-05. Review status: criteria provided, single submitter. Criteria: GeneDx Variant Classification (06012015). Collection method: clinical testing. Allele origin: germline. Affected: yes.
Comment: This variant is considered likely benign or benign based on one or more of the following criteria: it is a conservative change, it occurs at a poorly conserved position in the protein, it is predicted to be benign by multiple in silico algorithms, and/or has population frequency not consistent with disease.